The following is an entry in ClinVar:

ClinVar aggregate classification (germline): Uncertain significance (1 of 4 stars; one submission).

Allele frequency attached by ClinVar (database versions not stated): gnomAD exomes below 0.00001; gnomAD 0.00002; TOPMed 0.00002.
gnomAD v4.1: 4 of 1,608,278 alleles (0.00025%); highest among the groups gnomAD compares: Admixed American, 0.0034%; no homozygotes.

Submission:

Labcorp Genetics (formerly Invitae), Labcorp
Classification: Uncertain significance. Last evaluated: 2023-10-03. Review status: criteria provided, single submitter. Criteria: Invitae Variant Classification Sherloc (09022015). Collection method: clinical testing. Allele origin: germline.
Comment: This sequence change replaces proline, which is neutral and non-polar, with leucine, which is neutral and non-polar, at codon 423 of the CEP78 protein (p.Pro423Leu). This variant is present in population databases (no rsID available, gnomAD 0.1%). This variant has not been reported in the literature in individuals affected with CEP78-related conditions. ClinVar contains an entry for this variant (Variation ID: 1419483). Advanced modeling of protein sequence and biophysical properties (such as structural, functional, and spatial information, amino acid conservation, physicochemical variation, residue mobility, and thermodynamic stability) performed at Invitae indicates that this missense variant is not expected to disrupt CEP78 protein function. In summary, the available evidence is currently insufficient to determine the role of this variant in disease. Therefore, it has been classified as a Variant of Uncertain Significance.

NM_001330691.3(CEP78):c.1265C>T (p.Pro422Leu)

Gene: CEP78 (centrosomal protein 78; plus strand). Cytogenetic location: 9q21.2.
Variant type: single nucleotide variant.
Coding change: c.1265C>T on transcript NM_001330691.3 (MANE Select); coding-DNA position 1265, C replaced by T.
Protein change: p.Pro422Leu; replaces proline 422 with leucine.
Molecular consequence: missense variant.
Genome position (GRCh38, 1-based): chr9:78,254,849, C>T. VCF-style: chr9-78254849-C-T. GRCh37 (hg19) VCF-style: chr9-80869765-C-T.
Other names: c.1268C>T, p.Pro423Leu (NM_001098802.3, NM_001349839.2, NM_001349840.2 and 1 more transcripts); c.1265C>T, p.Pro422Leu (NM_001330693.3, NM_001330694.2, NM_001349838.2); short protein forms P422L, P423L.
Identifiers: ClinVar variation 1419483 (VCV001419483.6), dbSNP rs976530013, ClinGen allele CA194404741.